The following is an entry in ClinVar:

ClinVar aggregate classification (germline): Benign/Likely benign. Review status: criteria provided, multiple submitters, no conflicts (2 of 4 stars). 4 submissions from 4 submitters: Benign (1); Likely benign (3). Last evaluated 2025-08-01.

Conditions:
Familial adenomatous polyposis 1 (FAP1). Also called: FAMILIAL ADENOMATOUS POLYPOSIS 1, ATTENUATED; POLYPOSIS, ADENOMATOUS INTESTINAL. Identifiers: MedGen C2713442, MONDO:0021056, OMIM 175100. Disease mechanism: loss of function.
Hereditary cancer-predisposing syndrome. Also called: Hereditary Cancer Syndrome; Hereditary neoplastic syndrome; Neoplastic Syndromes, Hereditary; Tumor predisposition. Identifiers: Orphanet 140162, MedGen C0027672, MeSH D009386, MONDO:0015356.

Allele frequency attached by ClinVar (database versions not stated): gnomAD exomes below 0.00001.
gnomAD v4.1: 1 of 1,614,012 alleles (0.000062%); highest among the groups gnomAD compares: South Asian, 0.0011%; no homozygotes.

Submissions (4):

CeGaT Center for Human Genetics Tuebingen
Classification: Likely benign. Last evaluated: 2025-08-01. Review status: criteria provided, single submitter. Criteria: CeGaT Center For Human Genetics Tuebingen Variant Classification Criteria Version 2. Collection method: clinical testing. Allele origin: germline. Affected: yes. Observed: 1 variant allele.
Comment: APC: BP4, BP7

Ambry Genetics
Classification: Likely benign for Hereditary cancer-predisposing syndrome. Last evaluated: 2024-09-22. Review status: criteria provided, single submitter. Criteria: Ambry Variant Classification Scheme 2023. Collection method: clinical testing. Allele origin: germline.

Myriad Genetics, Inc.
Classification: Benign for Familial adenomatous polyposis 1. Last evaluated: 2024-03-01. Review status: criteria provided, single submitter. Criteria: Myriad Autosomal Dominant, Autosomal Recessive and X-Linked Classification Criteria (2023). Collection method: clinical testing. Allele origin: unknown.
Comment: This variant is considered benign. This variant is a silent/synonymous amino acid change and it is not expected to impact splicing.

Labcorp Genetics (formerly Invitae), Labcorp
Classification: Likely benign for Familial adenomatous polyposis 1. Last evaluated: 2023-06-23. Review status: criteria provided, single submitter. Criteria: Invitae Variant Classification Sherloc (09022015). Collection method: clinical testing. Allele origin: germline.

NM_000038.6(APC):c.1278T>C (p.Ala426=)

Gene: APC (APC regulator of Wnt signaling pathway; plus strand). Cytogenetic location: 5q22.2.
Variant type: single nucleotide variant.
Coding change: c.1278T>C on transcript NM_000038.6 (MANE Select); coding-DNA position 1278, T replaced by C.
Protein change: p.Ala426=; no amino-acid change (alanine 426 retained).
Molecular consequence: synonymous variant. On other transcripts: non-coding transcript variant (2).
Genome position (GRCh38, 1-based): chr5:112,819,310, T>C. VCF-style: chr5-112819310-T-C. GRCh37 (hg19) VCF-style: chr5-112155007-T-C.
Other names: c.1278T>C, p.Ala426= (NM_001127510.3, NM_001354895.2, NM_001354896.2 and 4 more transcripts); c.1224T>C, p.Ala408= (NM_001127511.3); c.1308T>C, p.Ala436= (NM_001354897.2, NM_001407446.1); c.1203T>C, p.Ala401= (NM_001354898.2, NM_001407451.1); c.1194T>C, p.Ala398= (NM_001354899.2, NM_001407452.1); c.1101T>C, p.Ala367= (NM_001354900.2, NM_001354901.2, NM_001407453.1); c.1005T>C, p.Ala335= (NM_001354902.2); c.975T>C, p.Ala325= (NM_001354903.2, NM_001407454.1, NM_001407455.1 and 5 more transcripts); and 6 more.
Identifiers: ClinVar variation 2918148 (VCV002918148.13), dbSNP rs2149783641, ClinGen allele CA445960389.